The following is an entry in ClinVar:

NM_017780.4(CHD7):c.3443T>C (p.Leu1148Pro)

Gene: CHD7 (chromodomain helicase DNA binding protein 7; plus strand). Cytogenetic location: 8q12.2.
Variant type: single nucleotide variant.
Coding change: c.3443T>C on transcript NM_017780.4 (MANE Select); coding-DNA position 3443, T replaced by C.
Protein change: p.Leu1148Pro; replaces leucine 1148 with proline.
Molecular consequence: missense variant. On other transcripts: intron variant (1).
Genome position (GRCh38, 1-based): chr8:60,828,727, T>C. VCF-style: chr8-60828727-T-C. GRCh37 (hg19) VCF-style: chr8-61741286-T-C.
Other names: c.1717-33502T>C (NM_001316690.1); short protein forms L1148P.
Identifiers: ClinVar variation 3719727 (VCV003719727.2).

ClinVar aggregate classification (germline): Uncertain significance (1 of 4 stars; one submission).

Conditions:
CHARGE syndrome (CHARGE). Also called: Hittner Hirsch Kreh syndrome; CHARGE ASSOCIATION--COLOBOMA, HEART ANOMALY, CHOANAL ATRESIA, RETARDATION, GENITAL AND EAR ANOMALIES; Coloboma, heart anomaly, choanal atresia, retardation, genital and ear anomalies; CHARGE association; Hall-Hittner syndrome. Identifiers: Orphanet 138, MedGen C0265354, MONDO:0008965.

Submission:

Labcorp Genetics (formerly Invitae), Labcorp
Classification: Uncertain significance for CHARGE syndrome. Last evaluated: 2024-09-28. Review status: criteria provided, single submitter. Criteria: Invitae Variant Classification Sherloc (09022015). Collection method: clinical testing. Allele origin: germline.
Comment: This sequence change replaces leucine, which is neutral and non-polar, with proline, which is neutral and non-polar, at codon 1148 of the CHD7 protein (p.Leu1148Pro). This variant is not present in population databases (gnomAD no frequency). This variant has not been reported in the literature in individuals affected with CHD7-related conditions. Invitae Evidence Modeling of protein sequence and biophysical properties (such as structural, functional, and spatial information, amino acid conservation, physicochemical variation, residue mobility, and thermodynamic stability) indicates that this missense variant is expected to disrupt CHD7 protein function with a positive predictive value of 95%. In summary, the available evidence is currently insufficient to determine the role of this variant in disease. Therefore, it has been classified as a Variant of Uncertain Significance.